The following is an entry in ClinVar:

ClinVar aggregate classification (germline): Pathogenic (1 of 4 stars; one submission).

Allele frequency attached by ClinVar (database versions not stated): ExAC 0.00001.

Submission:

Labcorp Genetics (formerly Invitae), Labcorp
Classification: Pathogenic. Last evaluated: 2023-10-29. Review status: criteria provided, single submitter. Criteria: Invitae Variant Classification Sherloc (09022015). Collection method: clinical testing. Allele origin: germline.
Comment: This sequence change creates a premature translational stop signal (p.Leu1955Profs*14) in the ATR gene. It is expected to result in an absent or disrupted protein product. Loss-of-function variants in ATR are known to be pathogenic (PMID: 21228398, 23144622). This variant is not present in population databases (gnomAD no frequency). This variant has not been reported in the literature in individuals affected with ATR-related conditions. ClinVar contains an entry for this variant (Variation ID: 1970626). For these reasons, this variant has been classified as Pathogenic.

Literature cited by the submitters: PubMed 21228398; PubMed 23144622.

NM_001184.4(ATR):c.5863dup (p.Leu1955fs)

Gene: ATR (ATR checkpoint kinase; minus strand). Cytogenetic location: 3q23.
Variant type: Duplication.
Coding change: c.5863dup on transcript NM_001184.4 (MANE Select); coding-DNA position 5863, one base duplicated (C; older notation c.5863dupC).
Protein change: p.Leu1955fs; shifts the reading frame from leucine 1955.
Molecular consequence: frameshift variant.
Genome position (GRCh38, 1-based): chr3:142,496,396, G duplicated on the plus strand (C on the coding strand, the reverse complement: ATR is on the minus strand). VCF-style (leftmost placement, unchanged base first): chr3-142496395-A-AG. GRCh37 (hg19) VCF-style: chr3-142215237-A-AG.
Other names: c.5671dup, p.Leu1891fs (NM_001354579.2); short protein forms L1955fs, L1891fs.
Identifiers: ClinVar variation 1970626 (VCV001970626.5), dbSNP rs757788141, ClinGen allele CA2649519.